The following is an entry in ClinVar:

ClinVar aggregate classification (germline): Uncertain significance. Review status: criteria provided, multiple submitters, no conflicts (2 of 4 stars). 2 submissions from 2 submitters: Uncertain significance (2). Last evaluated 2024-12-11.

Conditions:
Inborn genetic diseases. Identifiers: MedGen C0950123, MeSH D030342.

Allele frequency attached by ClinVar (database versions not stated): gnomAD exomes 0.00001; gnomAD 0.00002; TOPMed 0.00002.
gnomAD v4.1: 10 of 1,613,988 alleles (0.00062%); highest among the groups gnomAD compares: African/African-American, 0.0093%; no homozygotes.

Submissions (2):

Ambry Genetics
Classification: Uncertain significance for Inborn genetic diseases. Last evaluated: 2024-12-11. Review status: criteria provided, single submitter. Criteria: Ambry Variant Classification Scheme 2023. Collection method: clinical testing. Allele origin: germline.

Labcorp Genetics (formerly Invitae), Labcorp
Classification: Uncertain significance. Last evaluated: 2022-06-07. Review status: criteria provided, single submitter. Criteria: Invitae Variant Classification Sherloc (09022015). Collection method: clinical testing. Allele origin: germline.
Comment: This sequence change replaces aspartic acid, which is acidic and polar, with asparagine, which is neutral and polar, at codon 540 of the UNC45A protein (p.Asp540Asn). This variant is present in population databases (no rsID available, gnomAD 0.01%). This variant has not been reported in the literature in individuals affected with UNC45A-related conditions. Algorithms developed to predict the effect of missense changes on protein structure and function are either unavailable or do not agree on the potential impact of this missense change (SIFT: "Not Available"; PolyPhen-2: "Benign"; Align-GVGD: "Not Available"). In summary, the available evidence is currently insufficient to determine the role of this variant in disease. Therefore, it has been classified as a Variant of Uncertain Significance.

NM_018671.5(UNC45A):c.1618G>A (p.Asp540Asn)

Gene: UNC45A (unc-45 myosin chaperone A; plus strand). Cytogenetic location: 15q26.1.
Variant type: single nucleotide variant.
Coding change: c.1618G>A on transcript NM_018671.5 (MANE Select); coding-DNA position 1618, G replaced by A.
Protein change: p.Asp540Asn; replaces aspartic acid 540 with asparagine.
Molecular consequence: missense variant.
Genome position (GRCh38, 1-based): chr15:90,948,164, G>A. VCF-style: chr15-90948164-G-A. GRCh37 (hg19) VCF-style: chr15-91491394-G-A.
Other names: c.1573G>A, p.Asp525Asn (NM_001039675.2, NM_001323621.2); c.1618G>A, p.Asp540Asn (NM_001323619.1); c.1183G>A, p.Asp395Asn (NM_001323620.2); c.1618G>A (NM_018671.3); short protein forms D540N, D525N, D395N.
Identifiers: ClinVar variation 1924774 (VCV001924774.3), dbSNP rs1376570243, ClinGen allele CA393857514.